The following is an entry in ClinVar:

ClinVar aggregate classification (germline): Likely benign (1 of 4 stars; one submission).

gnomAD v4.1: 7 of 1,613,932 alleles (0.00043%); highest among the groups gnomAD compares: East Asian, 0.0022%; no homozygotes.

Submission:

CeGaT Center for Human Genetics Tuebingen
Classification: Likely benign. Last evaluated: 2026-03-01. Review status: criteria provided, single submitter. Criteria: CeGaT Center For Human Genetics Tuebingen Variant Classification Criteria Version 2. Collection method: clinical testing. Allele origin: germline. Affected: yes. Observed: 1 variant allele.
Comment: KMT2C: BP4

NM_170606.3(KMT2C):c.319A>G (p.Thr107Ala)

Gene: KMT2C (lysine methyltransferase 2C; minus strand). Cytogenetic location: 7q36.1.
Variant type: single nucleotide variant.
Coding change: c.319A>G on transcript NM_170606.3 (MANE Select); coding-DNA position 319, A replaced by G.
Protein change: p.Thr107Ala; replaces threonine 107 with alanine.
Molecular consequence: missense variant.
Genome position (GRCh38, 1-based): chr7:152,330,671, T>C on the plus strand (A>G on the coding strand, the complement: KMT2C is on the minus strand). VCF-style: chr7-152330671-T-C. GRCh37 (hg19) VCF-style: chr7-152027756-T-C.
Other names: short protein forms T107A.
Identifiers: ClinVar variation 4821457 (VCV004821457.4).